The following is an entry in ClinVar:

NM_005445.4(SMC3):c.-99C>A

Gene: SMC3 (structural maintenance of chromosomes 3; plus strand). Cytogenetic location: 10q25.2.
Variant type: single nucleotide variant.
Coding change: c.-99C>A on transcript NM_005445.4 (MANE Select); 99 bases upstream of the start codon, C replaced by A.
Molecular consequence: 5 prime UTR variant.
Genome position (GRCh38, 1-based): chr10:110,567,718, C>A. VCF-style: chr10-110567718-C-A. GRCh37 (hg19) VCF-style: chr10-112327476-C-A.
Identifiers: ClinVar variation 298759 (VCV000298759.9), dbSNP rs148267784, ClinGen allele CA10634913.

ClinVar aggregate classification (germline): Benign/Likely benign. Review status: criteria provided, multiple submitters, no conflicts (2 of 4 stars). 3 submissions from 3 submitters: Benign (1); Likely benign (2). Last evaluated 2018-12-09.

Conditions:
Cornelia de Lange syndrome 3 (CDLS3). Also called: CORNELIA DE LANGE SYNDROME 3 WITH OR WITHOUT MIDLINE BRAIN DEFECTS; SMC3-Related Cornelia de Lange Syndrome. Identifiers: Orphanet 199, MedGen C1853099, MONDO:0012555, OMIM 610759.

Allele frequency attached by ClinVar (database versions not stated): 1000 Genomes Project 0.01218; 1000 Genomes Project 30x 0.01327; TOPMed 0.01410.
gnomAD v4.1: 24,803 of 1,451,596 alleles (1.7%); highest among the groups gnomAD compares: Admixed American, 4.3%; 278 homozygotes.

Submissions (3):

GeneDx
Classification: Likely benign. Last evaluated: 2018-12-09. Review status: criteria provided, single submitter. Criteria: GeneDx Variant Classification Process June 2021. Collection method: clinical testing. Allele origin: germline. Affected: yes.

Illumina Laboratory Services, Illumina
Classification: Benign for Cornelia de Lange syndrome 3. Last evaluated: 2018-01-12. Review status: criteria provided, single submitter. Criteria: ICSL Variant Classification Criteria 13 December 2019. Collection method: clinical testing. Allele origin: germline.
Comment: This variant was observed in the ICSL laboratory as part of a predisposition screen in an ostensibly healthy population. It had not been previously curated by ICSL or reported in the Human Gene Mutation Database (HGMD: prior to June 1st, 2018), and was therefore a candidate for classification through an automated scoring system. Utilizing variant allele frequency, disease prevalence and penetrance estimates, and inheritance mode, an automated score was calculated to assess if this variant is too frequent to cause the disease. Based on the score and internal cut-off values, a variant classified as benign is not then subjected to further curation. The score for this variant resulted in a classification of benign for this disease.

Breakthrough Genomics
Classification: Likely benign. Review status: criteria provided, single submitter. Criteria: ACMG Guidelines, 2015. Collection method: not provided. Allele origin: germline. Inheritance: Autosomal dominant inheritance. Affected: yes.